The following is an entry in ClinVar:

NM_006767.4(LZTR1):c.575G>C (p.Gly192Ala)

Gene: LZTR1 (leucine zipper like post translational regulator 1; plus strand). Cytogenetic location: 22q11.21.
Variant type: single nucleotide variant.
Coding change: c.575G>C on transcript NM_006767.4 (MANE Select); coding-DNA position 575, G replaced by C.
Protein change: p.Gly192Ala; replaces glycine 192 with alanine.
Molecular consequence: missense variant.
Genome position (GRCh38, 1-based): chr22:20,988,854, G>C. VCF-style: chr22-20988854-G-C. GRCh37 (hg19) VCF-style: chr22-21343143-G-C.
Other names: short protein forms G192A.
Identifiers: ClinVar variation 3774710 (VCV003774710.1).

ClinVar aggregate classification (germline): Uncertain significance (1 of 4 stars; one submission).

gnomAD v4.1: 1 of 1,614,000 alleles (0.000062%); highest among the groups gnomAD compares: Non-Finnish European, 0.000085%; no homozygotes.

Submission:

GeneDx
Classification: Uncertain significance. Last evaluated: 2024-09-26. Review status: criteria provided, single submitter. Criteria: GeneDx Variant Classification Process June 2021. Collection method: clinical testing. Allele origin: germline. Affected: yes.
Comment: Not observed at significant frequency in large population cohorts (gnomAD); In silico analysis supports that this missense variant has a deleterious effect on protein structure/function; Has not been previously published as pathogenic or benign to our knowledge